The following is an entry in ClinVar:

ClinVar aggregate classification (germline): Uncertain significance. Review status: criteria provided, multiple submitters, no conflicts (2 of 4 stars). 7 submissions from 7 submitters: Uncertain significance (5). 2 of the submissions do not count toward it. Last evaluated 2024-11-26.

Conditions:
Dyskeratosis congenita. Identifiers: Orphanet 1775, MedGen C0265965, MONDO:0015780.
Cerebroretinal microangiopathy with calcifications and cysts 1 (CRMCC1). Identifiers: Orphanet 313838, MedGen C4552029, MONDO:0024564, OMIM 612199.
Inborn genetic diseases. Identifiers: MedGen C0950123, MeSH D030342.

Allele frequency attached by ClinVar (database versions not stated): TOPMed 0.00006; gnomAD 0.00008 and 0.00009; 1000 Genomes Project 30x 0.00016; 1000 Genomes Project 0.00020; ExAC 0.00020; gnomAD exomes 0.00021.
gnomAD v4.1: 417 of 1,613,706 alleles (0.026%); highest among the groups gnomAD compares: Non-Finnish European, 0.033%; 1 homozygote.

Submissions (7):

Labcorp Genetics (formerly Invitae), Labcorp
Classification: Uncertain significance for Dyskeratosis congenita. Last evaluated: 2024-11-26. Review status: criteria provided, single submitter. Criteria: Invitae Variant Classification Sherloc (09022015). Collection method: clinical testing. Allele origin: germline.
Comment: This sequence change replaces glutamic acid, which is acidic and polar, with lysine, which is basic and polar, at codon 1083 of the CTC1 protein (p.Glu1083Lys). This variant is present in population databases (rs201885165, gnomAD 0.03%). This variant has not been reported in the literature in individuals affected with CTC1-related conditions. ClinVar contains an entry for this variant (Variation ID: 326066). Invitae Evidence Modeling of protein sequence and biophysical properties (such as structural, functional, and spatial information, amino acid conservation, physicochemical variation, residue mobility, and thermodynamic stability) indicates that this missense variant is expected to disrupt CTC1 protein function with a positive predictive value of 80%. In summary, the available evidence is currently insufficient to determine the role of this variant in disease. Therefore, it has been classified as a Variant of Uncertain Significance.

Blueprint Genetics
Classification: Uncertain significance. Last evaluated: 2024-11-21. Review status: criteria provided, single submitter. Criteria: ACMG Guidelines, 2015. Collection method: clinical testing. Allele origin: germline.

Ambry Genetics
Classification: Uncertain significance for Inborn genetic diseases. Last evaluated: 2024-03-11. Review status: criteria provided, single submitter. Criteria: Ambry Variant Classification Scheme 2023. Collection method: clinical testing. Allele origin: germline.

Genome-Nilou Lab
Classification: Uncertain significance for Cerebroretinal microangiopathy with calcifications and cysts 1. Last evaluated: 2021-07-15. Review status: criteria provided, single submitter. Criteria: ACMG Guidelines, 2015. Collection method: clinical testing. Allele origin: germline. Affected: no.

Illumina Laboratory Services, Illumina
Classification: Uncertain significance for Dyskeratosis congenita. Last evaluated: 2018-01-13. Review status: criteria provided, single submitter. Criteria: ICSL Variant Classification Criteria 13 December 2019. Collection method: clinical testing. Allele origin: germline.

Clinical Genetics DNA and cytogenetics Diagnostics Lab, Erasmus MC, Erasmus Medical Center
Classification: Uncertain significance. Review status: no assertion criteria provided. Collection method: clinical testing. Allele origin: germline. Affected: yes. Study: VKGL Data-share Consensus. Not counted in ClinVar's aggregate classification.

Diagnostic Laboratory, Department of Genetics, University Medical Center Groningen
Classification: Uncertain significance. Review status: no assertion criteria provided. Collection method: clinical testing. Allele origin: germline. Affected: yes. Study: VKGL Data-share Consensus. Not counted in ClinVar's aggregate classification.

NM_025099.6(CTC1):c.3247G>A (p.Glu1083Lys)

Gene: CTC1 (CST telomere replication complex component 1; minus strand). Cytogenetic location: 17p13.1.
Variant type: single nucleotide variant.
Coding change: c.3247G>A on transcript NM_025099.6 (MANE Select); coding-DNA position 3247, G replaced by A.
Protein change: p.Glu1083Lys; replaces glutamic acid 1083 with lysine.
Molecular consequence: missense variant. On other transcripts: non-coding transcript variant (1).
Genome position (GRCh38, 1-based): chr17:8,228,867, C>T on the plus strand (G>A on the coding strand, the complement: CTC1 is on the minus strand). VCF-style: chr17-8228867-C-T. GRCh37 (hg19) VCF-style: chr17-8132185-C-T.
Other names: short protein forms E1083K.
Identifiers: ClinVar variation 326066 (VCV000326066.15), dbSNP rs201885165, ClinGen allele CA8371820.